The following is an entry in ClinVar:

NM_213649.2(SFXN4):c.*3G>A

Gene: SFXN4 (sideroflexin 4; minus strand). Cytogenetic location: 10q26.11.
Variant type: single nucleotide variant.
Coding change: c.*3G>A on transcript NM_213649.2 (MANE Select); 3 bases downstream of the stop codon, G replaced by A.
Molecular consequence: 3 prime UTR variant. On other transcripts: non-coding transcript variant (1).
Genome position (GRCh38, 1-based): chr10:119,141,239, C>T on the plus strand (G>A on the coding strand, the complement: SFXN4 is on the minus strand). VCF-style: chr10-119141239-C-T. GRCh37 (hg19) VCF-style: chr10-120900751-C-T.
Other names: c.*3G>A (NM_213650.1).
Identifiers: ClinVar variation 3052198 (VCV003052198.2), dbSNP rs202015162, ClinGen allele CA5714338.
Genomic context (GRCh38, chr10:119,141,239, plus strand): 5'-ACCGAACCTGGAGAGGGGAAGGTTTTCAAGCAGGAACCACATAAATTCACCTAAAACTCA[C>T]GCCTACACCCCTCTGTGATAAAAGATTTCTGTTTCTTCTGTTGGAGACTGAATTTTCTCT-3'

ClinVar aggregate classification (germline): Benign (0 of 4 stars; one submission).

Conditions:
SFXN4-related disorder. Also called: SFXN4-related condition.

Allele frequency attached by ClinVar (database versions not stated): ESP Exome Variant Server 0.00008; 1000 Genomes Project 30x 0.00312; 1000 Genomes Project 0.00339.

Submission:

PreventionGenetics, part of Exact Sciences
Classification: Benign for SFXN4-related condition. Last evaluated: 2020-03-02. Review status: no assertion criteria provided. Collection method: clinical testing. Allele origin: germline.
Comment: This variant is classified as benign based on ACMG/AMP sequence variant interpretation guidelines (Richards et al. 2015 PMID: 25741868, with internal and published modifications).